The following is an entry in ClinVar:

NM_002715.4(PPP2CA):c.185T>A (p.Phe62Tyr)

Gene: PPP2CA (protein phosphatase 2 catalytic subunit alpha; minus strand). Cytogenetic location: 5q31.1.
Variant type: single nucleotide variant.
Coding change: c.185T>A on transcript NM_002715.4 (MANE Select); coding-DNA position 185, T replaced by A.
Protein change: p.Phe62Tyr; replaces phenylalanine 62 with tyrosine.
Molecular consequence: missense variant. On other transcripts: 5 prime UTR variant (1), non-coding transcript variant (1).
Genome position (GRCh38, 1-based): chr5:134,206,049, A>T on the plus strand (T>A on the coding strand, the complement: PPP2CA is on the minus strand). VCF-style: chr5-134206049-A-T. GRCh37 (hg19) VCF-style: chr5-133541740-A-T.
Other names: c.-11T>A (NM_001355019.2); short protein forms F62Y.
Identifiers: ClinVar variation 3770015 (VCV003770015.1).

ClinVar aggregate classification (germline): Uncertain significance (1 of 4 stars; one submission).

Submission:

GeneDx
Classification: Uncertain significance. Last evaluated: 2024-09-17. Review status: criteria provided, single submitter. Criteria: GeneDx Variant Classification Process June 2021. Collection method: clinical testing. Allele origin: germline. Affected: yes.
Comment: Not observed at significant frequency in large population cohorts (gnomAD); In silico analysis supports that this missense variant has a deleterious effect on protein structure/function; Has not been previously published as pathogenic or benign to our knowledge